The following is an entry in ClinVar:

NM_017802.4(DNAAF5):c.2340A>C (p.Lys780Asn)

Gene: DNAAF5 (dynein axonemal assembly factor 5; plus strand). Cytogenetic location: 7p22.3.
Variant type: single nucleotide variant.
Coding change: c.2340A>C on transcript NM_017802.4 (MANE Select); coding-DNA position 2340, A replaced by C.
Protein change: p.Lys780Asn; replaces lysine 780 with asparagine.
Molecular consequence: missense variant. On other transcripts: non-coding transcript variant (1).
Genome position (GRCh38, 1-based): chr7:780,053, A>C. VCF-style: chr7-780053-A-C. GRCh37 (hg19) VCF-style: chr7-819690-A-C.
Other names: short protein forms K780N.
Identifiers: ClinVar variation 3227045 (VCV003227045.1), dbSNP rs2484185137, ClinGen allele CA366547859.
Genomic context (GRCh38, chr7:780,053, plus strand): 5'-GATGGCAGCCGCCTCCACCTTGGTCACCTGGCTGCAGTGTGTCAAGGGTGCCAACGCAAA[A>C]TCCTACTATCAGAGCAGTGTCCAGTACCTGTACCGAGAGTTGCTGGTTCACCTTGACGAT-3'
Protein context (NP_060272.3, residues 770-790): WLQCVKGANA[Lys780Asn]SYYQSSVQYL

ClinVar aggregate classification (germline): Uncertain significance (1 of 4 stars; one submission).

Conditions:
Primary ciliary dyskinesia. Also called: Ciliary dyskinesia. Identifiers: Orphanet 244, MedGen C0008780, MONDO:0016575, HP:0012265.

Allele frequency attached by ClinVar (database versions not stated): gnomAD exomes below 0.00001.

Submission:

Ambry Genetics
Classification: Uncertain significance for Primary ciliary dyskinesia. Last evaluated: 2024-02-16. Review status: criteria provided, single submitter. Criteria: Ambry Variant Classification Scheme 2023. Collection method: clinical testing. Allele origin: germline.
Comment: The p.K780N variant (also known as c.2340A>C), located in coding exon 12 of the DNAAF5 gene, results from an A to C substitution at nucleotide position 2340. The lysine at codon 780 is replaced by asparagine, an amino acid with similar properties. This amino acid position is conserved. In addition, this alteration is predicted to be tolerated by in silico analysis. Based on the available evidence, the clinical significance of this alteration remains unclear.